The following is an entry in ClinVar:

NM_018105.3(THAP1):c.164C>T (p.Ser55Leu)

Gene: THAP1 (THAP domain containing 1; minus strand). Cytogenetic location: 8p11.21.
Variant type: single nucleotide variant.
Coding change: c.164C>T on transcript NM_018105.3 (MANE Select); coding-DNA position 164, C replaced by T.
Protein change: p.Ser55Leu; replaces serine 55 with leucine.
Molecular consequence: missense variant. On other transcripts: intron variant (1).
Genome position (GRCh38, 1-based): chr8:42,839,289, G>A on the plus strand (C>T on the coding strand, the complement: THAP1 is on the minus strand). VCF-style: chr8-42839289-G-A. GRCh37 (hg19) VCF-style: chr8-42694432-G-A.
Other names: c.72-953C>T (NM_199003.2); short protein forms S55L.
Identifiers: ClinVar variation 661711 (VCV000661711.5), dbSNP rs1586457027, ClinGen allele CA371107937.

ClinVar aggregate classification (germline): Uncertain significance (1 of 4 stars; one submission).

Conditions:
Torsion dystonia 6 (DYT6). Also called: DYT-THAP1. Identifiers: Orphanet 98806, MedGen C1414216, MONDO:0011264, OMIM 602629.

Submission:

Labcorp Genetics (formerly Invitae), Labcorp
Classification: Uncertain significance for Torsion dystonia 6. Last evaluated: 2025-02-28. Review status: criteria provided, single submitter. Criteria: Invitae Variant Classification Sherloc (09022015). Collection method: clinical testing. Allele origin: germline.
Comment: This sequence change replaces serine, which is neutral and polar, with leucine, which is neutral and non-polar, at codon 55 of the THAP1 protein (p.Ser55Leu). This variant is not present in population databases (gnomAD no frequency). This missense change has been observed in individuals with clinical features of THAP1-related conditions (internal data). ClinVar contains an entry for this variant (Variation ID: 661711). An algorithm developed to predict the effect of missense changes on protein structure and function (PolyPhen-2) suggests that this variant is likely to be disruptive. In summary, the available evidence is currently insufficient to determine the role of this variant in disease. Therefore, it has been classified as a Variant of Uncertain Significance.